The following is an entry in ClinVar:

ClinVar aggregate classification (germline): Uncertain significance (1 of 4 stars; one submission).

Conditions:
Hereditary cancer-predisposing syndrome. Also called: Hereditary Cancer Syndrome; Neoplastic Syndromes, Hereditary; Tumor predisposition; Hereditary neoplastic syndrome. Identifiers: Orphanet 140162, MedGen C0027672, MeSH D009386, MONDO:0015356.

gnomAD v4.1: 2 of 1,614,036 alleles (0.00012%); highest among the groups gnomAD compares: African/African-American, 0.0013%; no homozygotes.

Submission:

Ambry Genetics
Classification: Uncertain significance for Hereditary cancer-predisposing syndrome. Last evaluated: 2026-06-23. Review status: criteria provided, single submitter. Criteria: Ambry Variant Classification Scheme 2023. Collection method: clinical testing. Allele origin: germline.
Comment: The p.G1263E variant (also known as c.3788G>A), located in coding exon 25 of the ALK gene, results from a G to A substitution at nucleotide position 3788. The glycine at codon 1263 is replaced by glutamic acid, an amino acid with similar properties. This amino acid position is highly conserved in available vertebrate species. In addition, the in silico prediction for this alteration is inconclusive. Based on the available evidence, the clinical significance of this variant remains unclear.

NM_004304.5(ALK):c.3788G>A (p.Gly1263Glu)

Gene: ALK (ALK receptor tyrosine kinase; minus strand). Cytogenetic location: 2p23.2.
Variant type: single nucleotide variant.
Coding change: c.3788G>A on transcript NM_004304.5 (MANE Select); coding-DNA position 3788, G replaced by A.
Protein change: p.Gly1263Glu; replaces glycine 1263 with glutamic acid.
Molecular consequence: missense variant.
Genome position (GRCh38, 1-based): chr2:29,209,834, C>T on the plus strand (G>A on the coding strand, the complement: ALK is on the minus strand). VCF-style: chr2-29209834-C-T. GRCh37 (hg19) VCF-style: chr2-29432700-C-T.
Other names: c.584G>A, p.Gly195Glu (NM_001353765.2); short protein forms G1263E, G195E.
Identifiers: ClinVar variation 5034979 (VCV005034979.1).